The following is an entry in ClinVar:

ClinVar aggregate classification (germline): Conflicting classifications of pathogenicity. Review status: criteria provided, conflicting classifications (1 of 4 stars). 5 submissions from 5 submitters: Uncertain significance (2); Benign (1); Likely benign (2). Last evaluated 2026-05-19.

Conditions:
Hereditary cancer-predisposing syndrome. Also called: Neoplastic Syndromes, Hereditary; Hereditary Cancer Syndrome; Hereditary neoplastic syndrome; Tumor predisposition. Identifiers: Orphanet 140162, MedGen C0027672, MeSH D009386, MONDO:0015356.
Bloom syndrome (BLM). Also called: Bloom-Torre-Machacek syndrome. Identifiers: Orphanet 125, MedGen C0005859, MONDO:0008876, OMIM 210900.

Allele frequency attached by ClinVar (database versions not stated): ESP Exome Variant Server 0.00023; ExAC 0.00033; gnomAD exomes 0.00039 and 0.00098; gnomAD 0.00047; TOPMed 0.00061.
gnomAD v4.1: 1,474 of 1,574,386 alleles (0.094%); highest among the groups gnomAD compares: Non-Finnish European, 0.12%; 1 homozygote.

Submissions (5):

Myriad Genetics, Inc.
Classification: Benign for Bloom syndrome. Last evaluated: 2026-05-19. Review status: criteria provided, single submitter. Criteria: Myriad Autosomal Dominant, Autosomal Recessive and X-Linked Classification Criteria (2023). Collection method: clinical testing. Allele origin: unknown.
Comment: This variant is considered benign. This variant is intronic and is not expected to impact mRNA splicing. Homozygosity for this variant has been confirmed in one or more individuals lacking clinical features consistent with gene-specific recessive disease, indicating that this variant is unlikely to be pathogenic.

Labcorp Genetics (formerly Invitae), Labcorp
Classification: Likely benign for Bloom syndrome. Last evaluated: 2026-02-04. Review status: criteria provided, single submitter. Criteria: Invitae Variant Classification Sherloc (09022015). Collection method: clinical testing. Allele origin: germline.

Molecular Diagnostics Laboratory, Catalan Institute of Oncology
Classification: Uncertain significance for Hereditary cancer-predisposing syndrome. Last evaluated: 2025-02-12. Review status: criteria provided, single submitter. Criteria: ACMG Guidelines, 2015. Collection method: clinical testing. Allele origin: germline.
Comment: BP4 DA (07/02/25): BP4 (-1) -> PPOL (-1). c.3020-15C>T, located in intron 15 of the BLM gene,  is predicted to in no splicing alteration (according to SpliceAI) (BP4). The variant allele was found in 106/264682 alleles, with a filter allele frequency of 0.06% at 99% confidence, within the NFE population in the gnomAD v2.1.1 database (non-cancer data set). To our knowledge, neither relevant clinical data nor well-stablished functional studies have been reported for this variant. It has been reported in ClinVar* (1x likely benign, 1x uncertain significance). Based on the currently available information, c.3020-15C>T is classified as uncertain significance variant according to ACMG guidelines.

Blueprint Genetics
Classification: Likely benign. Last evaluated: 2024-10-25. Review status: criteria provided, single submitter. Criteria: ACMG Guidelines, 2015. Collection method: clinical testing. Allele origin: germline.

Illumina Laboratory Services, Illumina
Classification: Uncertain significance for Bloom syndrome. Last evaluated: 2018-01-13. Review status: criteria provided, single submitter. Criteria: ICSL Variant Classification Criteria 13 December 2019. Collection method: clinical testing. Allele origin: germline.

NM_000057.4(BLM):c.3020-15C>T

Gene: BLM (BLM RecQ like helicase; plus strand). Cytogenetic location: 15q26.1.
Variant type: single nucleotide variant.
Coding change: c.3020-15C>T on transcript NM_000057.4 (MANE Select); 15 bases into the intron before coding-DNA position 3020, C replaced by T.
Molecular consequence: intron variant.
Genome position (GRCh38, 1-based): chr15:90,794,152, C>T. VCF-style: chr15-90794152-C-T. GRCh37 (hg19) VCF-style: chr15-91337382-C-T.
Other names: c.3020-15C>T (NM_001287246.2, NM_001287247.2); c.1895-15C>T (NM_001287248.2).
Identifiers: ClinVar variation 884504 (VCV000884504.14), dbSNP rs200210516, ClinGen allele CA7738925.
Genomic context (GRCh38, chr15:90,794,152, plus strand): 5'-TATTCTAAATATTTCTATGATATGCTCTATTTTTCCCCTATAAGTATGTCTTACTATAGT[C>T]TTCATCTCTTTTAGTGGAAAAAGATGGAAACCATCATACAAGAGAAACTCACTTCAATAA-3'